The following is an entry in ClinVar:

NM_001698.3(AUH):c.850G>A (p.Val284Ile)

Gene: AUH (AU RNA binding methylglutaconyl-CoA hydratase; minus strand). Cytogenetic location: 9q22.31.
Variant type: single nucleotide variant.
Coding change: c.850G>A on transcript NM_001698.3 (MANE Select); coding-DNA position 850, G replaced by A.
Protein change: p.Val284Ile; replaces valine 284 with isoleucine.
Molecular consequence: missense variant.
Genome position (GRCh38, 1-based): chr9:91,217,321, C>T on the plus strand (G>A on the coding strand, the complement: AUH is on the minus strand). VCF-style: chr9-91217321-C-T. GRCh37 (hg19) VCF-style: chr9-93979603-C-T.
Other names: c.763G>A, p.Val255Ile (NM_001306190.2); c.523G>A, p.Val175Ile (NM_001351431.2, NM_001351432.2, NM_001351433.2); c.850G>A (NM_001698.2); short protein forms V284I, V255I, V175I.
Identifiers: ClinVar variation 1486765 (VCV001486765.7), dbSNP rs748245565, ClinGen allele CA5119710.

ClinVar aggregate classification (germline): Uncertain significance. Review status: criteria provided, multiple submitters, no conflicts (2 of 4 stars). 2 submissions from 2 submitters: Uncertain significance (2). Last evaluated 2024-01-08.

Conditions:
3-methylglutaconic aciduria type 1 (MGCA1). Identifiers: Orphanet 67046, MedGen C0342727, MONDO:0009610, OMIM 250950.
Inborn genetic diseases. Identifiers: MedGen C0950123, MeSH D030342.

Allele frequency attached by ClinVar (database versions not stated): ExAC 0.00013; gnomAD exomes 0.00008 and 0.00017; TOPMed 0.00006; gnomAD 0.00002.
gnomAD v4.1: 52 of 1,613,462 alleles (0.0032%); highest among the groups gnomAD compares: Admixed American, 0.087%; 1 homozygote.

Submissions (2):

Ambry Genetics
Classification: Uncertain significance for Inborn genetic diseases. Last evaluated: 2024-01-08. Review status: criteria provided, single submitter. Criteria: Ambry Variant Classification Scheme 2023. Collection method: clinical testing. Allele origin: germline.

Labcorp Genetics (formerly Invitae), Labcorp
Classification: Uncertain significance for 3-methylglutaconic aciduria type 1. Last evaluated: 2023-11-27. Review status: criteria provided, single submitter. Criteria: Invitae Variant Classification Sherloc (09022015). Collection method: clinical testing. Allele origin: germline.
Comment: This sequence change replaces valine, which is neutral and non-polar, with isoleucine, which is neutral and non-polar, at codon 284 of the AUH protein (p.Val284Ile). This variant is present in population databases (rs748245565, gnomAD 0.1%). This variant has not been reported in the literature in individuals affected with AUH-related conditions. ClinVar contains an entry for this variant (Variation ID: 1486765). Advanced modeling of protein sequence and biophysical properties (such as structural, functional, and spatial information, amino acid conservation, physicochemical variation, residue mobility, and thermodynamic stability) performed at Invitae indicates that this missense variant is not expected to disrupt AUH protein function with a negative predictive value of 80%. In summary, the available evidence is currently insufficient to determine the role of this variant in disease. Therefore, it has been classified as a Variant of Uncertain Significance.